The following is an entry in ClinVar:

NM_000038.6(APC):c.425C>T (p.Ser142Leu)

Gene: APC (APC regulator of Wnt signaling pathway; plus strand). Cytogenetic location: 5q22.2.
Variant type: single nucleotide variant.
Coding change: c.425C>T on transcript NM_000038.6 (MANE Select); coding-DNA position 425, C replaced by T.
Protein change: p.Ser142Leu; replaces serine 142 with leucine.
Molecular consequence: missense variant. On other transcripts: 5 prime UTR variant (4), non-coding transcript variant (2).
Genome position (GRCh38, 1-based): chr5:112,775,631, C>T. VCF-style: chr5-112775631-C-T. GRCh37 (hg19) VCF-style: chr5-112111328-C-T.
Other names: c.425C>T (NM_000038.5); c.425C>T, p.Ser142Leu (NM_001127510.3, NM_001354895.2, NM_001354896.2 and 16 more transcripts); c.455C>T, p.Ser152Leu (NM_001127511.3, NM_001354897.2, NM_001354902.2 and 1 more transcripts); c.350C>T, p.Ser117Leu (NM_001354898.2, NM_001354904.2, NM_001407451.1); c.248C>T, p.Ser83Leu (NM_001354900.2, NM_001354901.2, NM_001354905.2 and 1 more transcripts); c.-611C>T (NM_001354906.2, NM_001407470.1, NM_001407471.1 and 1 more transcripts); short protein forms S117L, S142L, S152L, S83L.
Identifiers: ClinVar variation 3628318 (VCV003628318.3).

ClinVar aggregate classification (germline): Uncertain significance. Review status: criteria provided, multiple submitters, no conflicts (2 of 4 stars). 2 submissions from 2 submitters: Uncertain significance (2). Last evaluated 2025-02-04.

Conditions:
Familial adenomatous polyposis 1 (FAP1). Also called: FAMILIAL ADENOMATOUS POLYPOSIS 1, ATTENUATED; POLYPOSIS, ADENOMATOUS INTESTINAL. Identifiers: MedGen C2713442, MONDO:0021056, OMIM 175100. Disease mechanism: loss of function.
Hereditary cancer-predisposing syndrome. Also called: Tumor predisposition; Hereditary neoplastic syndrome; Neoplastic Syndromes, Hereditary; Hereditary Cancer Syndrome. Identifiers: Orphanet 140162, MedGen C0027672, MeSH D009386, MONDO:0015356.

Submissions (2):

Ambry Genetics
Classification: Uncertain significance for Hereditary cancer-predisposing syndrome. Last evaluated: 2025-02-04. Review status: criteria provided, single submitter. Criteria: Ambry Variant Classification Scheme 2023. Collection method: clinical testing. Allele origin: germline.
Comment: The p.S142L variant (also known as c.425C>T), located in coding exon 4 of the APC gene, results from a C to T substitution at nucleotide position 425. The serine at codon 142 is replaced by leucine, an amino acid with dissimilar properties. This amino acid position is conserved. In addition, in silico predictors for this gene do not accurately predict pathogenicity. Based on the available evidence, the clinical significance of this variant remains unclear.

Labcorp Genetics (formerly Invitae), Labcorp
Classification: Uncertain significance for Familial adenomatous polyposis 1. Last evaluated: 2025-01-29. Review status: criteria provided, single submitter. Criteria: Invitae Variant Classification Sherloc (09022015). Collection method: clinical testing. Allele origin: germline.
Comment: This sequence change replaces serine, which is neutral and polar, with leucine, which is neutral and non-polar, at codon 142 of the APC protein (p.Ser142Leu). This variant is not present in population databases (gnomAD no frequency). This variant has not been reported in the literature in individuals affected with APC-related conditions. An algorithm developed to predict the effect of missense changes on protein structure and function (PolyPhen-2) suggests that this variant is likely to be tolerated. In summary, the available evidence is currently insufficient to determine the role of this variant in disease. Therefore, it has been classified as a Variant of Uncertain Significance.